The following is an entry in ClinVar:

NM_002480.3(PPP1R12A):c.38A>G (p.Gln13Arg)

Genes: PPP1R12A (protein phosphatase 1 regulatory subunit 12A; minus strand), LOC112163633 (Sharpr-MPRA regulatory region 5962; plus strand). Cytogenetic location: 12q21.31.
Variant type: single nucleotide variant.
Coding change: c.38A>G on transcript NM_002480.3 (MANE Select); coding-DNA position 38, A replaced by G.
Protein change: p.Gln13Arg; replaces glutamine 13 with arginine.
Molecular consequence: missense variant.
Genome position (GRCh38, 1-based): chr12:79,934,894, T>C on the plus strand (A>G on the coding strand, the complement: PPP1R12A is on the minus strand). VCF-style: chr12-79934894-T-C. GRCh37 (hg19) VCF-style: chr12-80328674-T-C.
Other names: c.38A>G, p.Gln13Arg (NM_001143885.2, NM_001244990.2, NM_001244992.1); short protein forms Q13R.
Identifiers: ClinVar variation 3767630 (VCV003767630.1).

ClinVar aggregate classification (germline): Likely pathogenic (1 of 4 stars; one submission).

Submission:

GeneDx
Classification: Likely pathogenic. Last evaluated: 2024-09-04. Review status: criteria provided, single submitter. Criteria: GeneDx Variant Classification Process June 2021. Collection method: clinical testing. Allele origin: germline. Affected: yes.
Comment: Not observed at significant frequency in large population cohorts (gnomAD); In silico analysis supports that this missense variant has a deleterious effect on protein structure/function; Has not been previously published as pathogenic or benign to our knowledge